The following is an entry in ClinVar:

ClinVar aggregate classification (germline): Benign/Likely benign. Review status: criteria provided, multiple submitters, no conflicts (2 of 4 stars). 4 submissions from 4 submitters: Benign (1); Likely benign (3). Last evaluated 2025-09-10.

Conditions:
Hereditary cancer-predisposing syndrome. Also called: Tumor predisposition; Neoplastic Syndromes, Hereditary; Hereditary neoplastic syndrome; Hereditary Cancer Syndrome. Identifiers: Orphanet 140162, MedGen C0027672, MeSH D009386, MONDO:0015356.
BAP1-related tumor predisposition syndrome (TPDS1). Also called: BAP1 tumor predisposition syndrome; Tumor susceptibility linked to germline BAP1 mutations; COMMON Syndrome; TUMOR PREDISPOSITION SYNDROME 1. Identifiers: Orphanet 289539, MedGen C3280492, MONDO:0013692, OMIM 614327.

Allele frequency attached by ClinVar (database versions not stated): gnomAD exomes below 0.00001 and 0.00001; TOPMed below 0.00001; gnomAD 0.00001; ExAC 0.00002.

Submissions (4):

Labcorp Genetics (formerly Invitae), Labcorp
Classification: Likely benign for BAP1-related tumor predisposition syndrome. Last evaluated: 2025-09-10. Review status: criteria provided, single submitter. Criteria: Invitae Variant Classification Sherloc (09022015). Collection method: clinical testing. Allele origin: germline.

Myriad Genetics, Inc.
Classification: Benign for BAP1-related tumor predisposition syndrome. Last evaluated: 2024-07-15. Review status: criteria provided, single submitter. Criteria: Myriad Autosomal Dominant, Autosomal Recessive and X-Linked Classification Criteria (2023). Collection method: clinical testing. Allele origin: unknown.
Comment: This variant is considered benign. This variant is a silent/synonymous amino acid change and it is not expected to impact splicing.

Color Diagnostics, LLC DBA Color Health
Classification: Likely benign for Hereditary cancer-predisposing syndrome. Last evaluated: 2016-08-29. Review status: criteria provided, single submitter. Criteria: ACMG Guidelines, 2015. Collection method: clinical testing. Allele origin: germline.

Ambry Genetics
Classification: Likely benign for Hereditary cancer-predisposing syndrome. Last evaluated: 2016-08-23. Review status: criteria provided, single submitter. Criteria: Ambry Variant Classification Scheme 2023. Collection method: clinical testing. Allele origin: germline.

NM_004656.4(BAP1):c.744G>A (p.Leu248=)

Gene: BAP1 (BRCA1 associated deubiquitinase 1; minus strand). Cytogenetic location: 3p21.1.
Variant type: single nucleotide variant.
Coding change: c.744G>A on transcript NM_004656.4 (MANE Select); coding-DNA position 744, G replaced by A.
Protein change: p.Leu248=; no amino-acid change (leucine 248 retained).
Molecular consequence: synonymous variant.
Genome position (GRCh38, 1-based): chr3:52,406,292, C>T on the plus strand (G>A on the coding strand, the complement: BAP1 is on the minus strand). VCF-style: chr3-52406292-C-T. GRCh37 (hg19) VCF-style: chr3-52440308-C-T.
Other names: c.744G>A (LRG_529t1).
Identifiers: ClinVar variation 417285 (VCV000417285.15), dbSNP rs762742357, ClinGen allele CA2437013.